The following is an entry in ClinVar:

NM_015978.3(TNNI3K):c.89G>A (p.Arg30Lys)

Genes: FPGT-TNNI3K (FPGT-TNNI3K readthrough; plus strand), TNNI3K (TNNI3 interacting kinase; plus strand). Cytogenetic location: 1p31.1.
Variant type: single nucleotide variant.
Coding change: c.89G>A on transcript NM_015978.3 (MANE Select); coding-DNA position 89, G replaced by A.
Protein change: p.Arg30Lys; replaces arginine 30 with lysine.
Molecular consequence: missense variant.
Genome position (GRCh38, 1-based): chr1:74,236,150, G>A. VCF-style: chr1-74236150-G-A. GRCh37 (hg19) VCF-style: chr1-74701834-G-A.
Other names: c.392G>A, p.Arg131Lys (NM_001112808.3, NM_001199327.2); short protein forms R131K, R30K.
Identifiers: ClinVar variation 4775774 (VCV004775774.1).

ClinVar aggregate classification (germline): Uncertain significance (1 of 4 stars; one submission).

gnomAD v4.1: 3 of 1,608,318 alleles (0.00019%); highest among the groups gnomAD compares: South Asian, 0.0011%; no homozygotes.

Submission:

Labcorp Genetics (formerly Invitae), Labcorp
Classification: Uncertain significance. Last evaluated: 2025-11-05. Review status: criteria provided, single submitter. Criteria: Invitae Variant Classification Sherloc (09022015). Collection method: clinical testing. Allele origin: germline.
Comment: This sequence change replaces arginine, which is basic and polar, with lysine, which is basic and polar, at codon 30 of the TNNI3K protein (p.Arg30Lys). This variant is present in population databases (no rsID available, gnomAD 0.003%). This variant has not been reported in the literature in individuals affected with TNNI3K-related conditions. Invitae Evidence Modeling of protein sequence and biophysical properties (such as structural, functional, and spatial information, amino acid conservation, physicochemical variation, residue mobility, and thermodynamic stability) indicates that this missense variant is not expected to disrupt TNNI3K protein function with a negative predictive value of 80%. In summary, the available evidence is currently insufficient to determine the role of this variant in disease. Therefore, it has been classified as a Variant of Uncertain Significance.